The following is an entry in ClinVar:

ClinVar aggregate classification (germline): Uncertain significance (1 of 4 stars; one submission).

Conditions:
Ataxia-telangiectasia syndrome (AT). Also called: ATAXIA-TELANGIECTASIA, COMPLEMENTATION GROUP A; ATAXIA-TELANGIECTASIA, FRESNO VARIANT; LOUIS-BAR SYNDROME; Cerebello-oculocutaneous telangiectasia; Immunodeficiency with ataxia telangiectasia; Ataxia-telangiectasia, complementation group E. Identifiers: Orphanet 100, MedGen C0004135, MONDO:0008840, OMIM 208900.

Submission:

Labcorp Genetics (formerly Invitae), Labcorp
Classification: Uncertain significance for Ataxia-telangiectasia syndrome. Last evaluated: 2024-02-01. Review status: criteria provided, single submitter. Criteria: Invitae Variant Classification Sherloc (09022015). Collection method: clinical testing. Allele origin: germline.
Comment: This sequence change replaces glycine, which is neutral and non-polar, with valine, which is neutral and non-polar, at codon 1663 of the ATM protein (p.Gly1663Val). This variant is not present in population databases (gnomAD no frequency). This variant has not been reported in the literature in individuals affected with ATM-related conditions. An algorithm developed to predict the effect of missense changes on protein structure and function (PolyPhen-2) suggests that this variant is likely to be disruptive. In summary, the available evidence is currently insufficient to determine the role of this variant in disease. Therefore, it has been classified as a Variant of Uncertain Significance.

NM_000051.4(ATM):c.4988G>T (p.Gly1663Val)

Gene: ATM (ATM serine/threonine kinase; plus strand). Cytogenetic location: 11q22.3.
Variant type: single nucleotide variant.
Coding change: c.4988G>T on transcript NM_000051.4 (MANE Select); coding-DNA position 4988, G replaced by T.
Protein change: p.Gly1663Val; replaces glycine 1663 with valine.
Molecular consequence: missense variant.
Genome position (GRCh38, 1-based): chr11:108,297,365, G>T. VCF-style: chr11-108297365-G-T. GRCh37 (hg19) VCF-style: chr11-108168092-G-T.
Other names: c.4988G>T, p.Gly1663Val (NM_001351834.2); short protein forms G1663V.
Identifiers: ClinVar variation 3637986 (VCV003637986.2).